The following is an entry in ClinVar:

ClinVar aggregate classification (germline): Uncertain significance. Review status: criteria provided, multiple submitters, no conflicts (2 of 4 stars). 2 submissions from 2 submitters: Uncertain significance (2). Last evaluated 2025-06-24.

Allele frequency attached by ClinVar (database versions not stated): gnomAD exomes below 0.00001.
gnomAD v4.1: 3 of 1,614,106 alleles (0.00019%); highest among the groups gnomAD compares: Non-Finnish European, 0.00025%; no homozygotes.

Submissions (2):

GeneDx
Classification: Uncertain significance. Last evaluated: 2025-06-24. Review status: criteria provided, single submitter. Criteria: GeneDx Variant Classification Process June 2021. Collection method: clinical testing. Allele origin: germline. Affected: yes.
Comment: Has not been previously published as a germline pathogenic or benign variant to our knowledge; In silico analysis supports that this missense variant has a deleterious effect on protein structure/function; This variant is associated with the following publications: (PMID: 30275357)

Greenwood Genetic Center Diagnostic Laboratories, Greenwood Genetic Center
Classification: Uncertain significance. Last evaluated: 2023-04-24. Review status: criteria provided, single submitter. Criteria: ACMG Guidelines, 2015. Collection method: clinical testing. Allele origin: germline. Affected: yes.
Comment: PM2, PP2, PP3

NM_006565.4(CTCF):c.1022G>A (p.Arg341His)

Gene: CTCF (CCCTC-binding factor; plus strand). Cytogenetic location: 16q22.1.
Variant type: single nucleotide variant.
Coding change: c.1022G>A on transcript NM_006565.4 (MANE Select); coding-DNA position 1022, G replaced by A.
Protein change: p.Arg341His; replaces arginine 341 with histidine.
Molecular consequence: missense variant.
Genome position (GRCh38, 1-based): chr16:67,616,814, G>A. VCF-style: chr16-67616814-G-A. GRCh37 (hg19) VCF-style: chr16-67650717-G-A.
Other names: c.38G>A, p.Arg13His (NM_001191022.2); c.1022G>A, p.Arg341His (NM_001363916.2); c.1022G>A (NM_006565.3); short protein forms R13H, R341H.
Identifiers: ClinVar variation 2572365 (VCV002572365.2), dbSNP rs1486997074, ClinGen allele CA396312236.